The following is an entry in ClinVar:

NM_001166108.2(PALLD):c.3149T>C (p.Val1050Ala)

Genes: CBR4 (carbonyl reductase 4; minus strand), PALLD (palladin, cytoskeletal associated protein; plus strand). Cytogenetic location: 4q32.3.
Variant type: single nucleotide variant.
Coding change: c.3149T>C on transcript NM_001166108.2 (MANE Select); coding-DNA position 3149, T replaced by C.
Protein change: p.Val1050Ala; replaces valine 1050 with alanine.
Molecular consequence: missense variant.
Genome position (GRCh38, 1-based): chr4:168,924,345, T>C. VCF-style: chr4-168924345-T-C. GRCh37 (hg19) VCF-style: chr4-169845496-T-C.
Other names: c.1952T>C, p.Val651Ala (NM_001166109.2); c.1637T>C, p.Val546Ala (NM_001166110.2); c.977T>C, p.Val326Ala (NM_001367567.1, NM_001367569.1); c.1028T>C, p.Val343Ala (NM_001367568.1, NM_001367570.1); c.3098T>C, p.Val1033Ala (NM_016081.4); short protein forms V343A, V1033A, V1050A, V326A, V546A, V651A.
Identifiers: ClinVar variation 2448474 (VCV002448474.2), dbSNP rs2534252132, ClinGen allele CA358712327.

ClinVar aggregate classification (germline): Uncertain significance (1 of 4 stars; one submission).

Submission:

Ambry Genetics
Classification: Uncertain significance. Last evaluated: 2023-01-12. Review status: criteria provided, single submitter. Criteria: Ambry Variant Classification Scheme 2023. Collection method: clinical testing. Allele origin: germline.
Comment: The p.V1033A variant (also known as c.3098T>C), located in coding exon 17 of the PALLD gene, results from a T to C substitution at nucleotide position 3098. The valine at codon 1033 is replaced by alanine, an amino acid with similar properties. This amino acid position is conserved. In addition, the in silico prediction for this alteration is inconclusive. Since supporting evidence is limited at this time, the clinical significance of this alteration remains unclear.